The following is an entry in ClinVar:

NM_001372.4(DNAH9):c.2191T>C (p.Phe731Leu)

Gene: DNAH9 (dynein axonemal heavy chain 9; plus strand). Cytogenetic location: 17p12.
Variant type: single nucleotide variant.
Coding change: c.2191T>C on transcript NM_001372.4 (MANE Select); coding-DNA position 2191, T replaced by C.
Protein change: p.Phe731Leu; replaces phenylalanine 731 with leucine.
Molecular consequence: missense variant.
Genome position (GRCh38, 1-based): chr17:11,651,162, T>C. VCF-style: chr17-11651162-T-C. GRCh37 (hg19) VCF-style: chr17-11554479-T-C.
Other names: short protein forms F731L.
Identifiers: ClinVar variation 1715045 (VCV001715045.5), dbSNP rs2544301066, ClinGen allele CA398175882.

ClinVar aggregate classification (germline): Uncertain significance (1 of 4 stars; one submission).

Submission:

Labcorp Genetics (formerly Invitae), Labcorp
Classification: Uncertain significance. Last evaluated: 2022-09-17. Review status: criteria provided, single submitter. Criteria: Invitae Variant Classification Sherloc (09022015). Collection method: clinical testing. Allele origin: germline.
Comment: In summary, the available evidence is currently insufficient to determine the role of this variant in disease. Therefore, it has been classified as a Variant of Uncertain Significance. Advanced modeling of protein sequence and biophysical properties (such as structural, functional, and spatial information, amino acid conservation, physicochemical variation, residue mobility, and thermodynamic stability) performed at Invitae indicates that this missense variant is not expected to disrupt DNAH9 protein function. This variant has not been reported in the literature in individuals affected with DNAH9-related conditions. This variant is not present in population databases (gnomAD no frequency). This sequence change replaces phenylalanine, which is neutral and non-polar, with leucine, which is neutral and non-polar, at codon 731 of the DNAH9 protein (p.Phe731Leu).